The following is an entry in ClinVar:

ClinVar aggregate classification (germline): Likely pathogenic (1 of 4 stars; one submission).

Conditions:
Febrile seizures, familial, 8 (FEB8). Also called: CONVULSIONS, FAMILIAL FEBRILE, 8. Identifiers: Orphanet 36387, MedGen C1969810, MONDO:0011891, OMIM 607681.
EPILEPSY, CHILDHOOD ABSENCE, SUSCEPTIBILITY TO, 2 (ECA2). Identifiers: Orphanet 64280, MedGen C1843244, OMIM 607681.

Submission:

Labcorp Genetics (formerly Invitae), Labcorp
Classification: Likely pathogenic for Febrile seizures, familial, 8; EPILEPSY, CHILDHOOD ABSENCE, SUSCEPTIBILITY TO, 2. Last evaluated: 2025-12-11. Review status: criteria provided, single submitter. Criteria: Invitae Variant Classification Sherloc (09022015). Collection method: clinical testing. Allele origin: germline.
Comment: This sequence change replaces threonine, which is neutral and polar, with alanine, which is neutral and non-polar, at codon 314 of the GABRG2 protein (p.Thr314Ala). This variant is not present in population databases (gnomAD no frequency). This missense change has been observed in individual(s) with GABRG2-related conditions (internal data). Invitae Evidence Modeling of protein sequence and biophysical properties (such as structural, functional, and spatial information, amino acid conservation, physicochemical variation, residue mobility, and thermodynamic stability) indicates that this missense variant is expected to disrupt GABRG2 protein function with a positive predictive value of 95%. This variant disrupts the p.Thr314 amino acid residue in GABRG2. Other variant(s) that disrupt this residue have been determined to be pathogenic (internal data). This suggests that this residue is clinically significant, and that variants that disrupt this residue are likely to be disease-causing. In summary, the currently available evidence indicates that the variant is pathogenic, but additional data are needed to prove that conclusively. Therefore, this variant has been classified as Likely Pathogenic.

NM_198904.4(GABRG2):c.940A>G (p.Thr314Ala)

Gene: GABRG2 (gamma-aminobutyric acid type A receptor subunit gamma2; plus strand). Cytogenetic location: 5q34.
Variant type: single nucleotide variant.
Coding change: c.940A>G on transcript NM_198904.4 (MANE Select); coding-DNA position 940, A replaced by G.
Protein change: p.Thr314Ala; replaces threonine 314 with alanine.
Molecular consequence: missense variant. On other transcripts: intron variant (1).
Genome position (GRCh38, 1-based): chr5:162,149,125, A>G. VCF-style: chr5-162149125-A-G. GRCh37 (hg19) VCF-style: chr5-161576131-A-G.
Other names: c.940A>G, p.Thr314Ala (NM_000816.3); c.931A>G, p.Thr311Ala (NM_001375339.1); c.937A>G, p.Thr313Ala (NM_001375341.1, NM_001375342.1); c.1060A>G, p.Thr354Ala (NM_001375343.1, NM_198903.2); c.979A>G, p.Thr327Ala (NM_001375344.1); c.874A>G, p.Thr292Ala (NM_001375345.1, NM_001375346.1); c.853A>G, p.Thr285Ala (NM_001375347.1); c.520A>G, p.Thr174Ala (NM_001375348.1, NM_001375350.1); and 2 more; short protein forms T219A, T292A, T311A, T313A, T327A, T174A, T285A, T314A.
Identifiers: ClinVar variation 4789503 (VCV004789503.1).